The following is an entry in ClinVar:

ClinVar aggregate classification (germline): Benign. Review status: reviewed by expert panel (3 of 4 stars). 5 submissions from 5 submitters: Benign (1). 4 of the submissions do not count toward it. Last evaluated 2026-08-24.

Conditions:
CDKL5 disorder. Identifiers: MedGen CN296942, MONDO:0100039.
Inborn genetic diseases. Identifiers: MedGen C0950123, MeSH D030342.
Angelman syndrome-like. Identifiers: MedGen CN128785.
Developmental and epileptic encephalopathy, 2 (DEE2). Also called: CDKL5 deficiency disorder; INFANTILE SPASM SYNDROME, X-LINKED 2. Identifiers: Orphanet 1934, Orphanet 3451, Orphanet 505652, MedGen C4750718, MONDO:0010396, OMIM 300672.

Allele frequency attached by ClinVar (database versions not stated): ExAC 0.00001; gnomAD 0.00001; TOPMed 0.00002; gnomAD exomes 0.00001.
gnomAD v4.1: 7 of 1,210,322 alleles (0.00058%); highest among the groups gnomAD compares: South Asian, 0.0035%; no homozygotes.

Submissions (5):

ClinGen Rett and Angelman-like Disorders Variant Curation Expert Panel
Classification: Benign for CDKL5 disorder. Last evaluated: 2026-08-24. Review status: reviewed by expert panel. Criteria: ClinGen RettAS ACMG Specifications CDKL5 V6.0. Collection method: curation. Allele origin: germline. Inheritance: X-linked inheritance.
Comment: The highest population minor allele frequency of the p.Gly885Arg variant in CDKL5 in gnomAD v4.1 is 0.00003518 in South Asian population, which is higher than the ClinGen Rett and Angelman-like Disorders VCEP threshold (≥0.0000083) for BS1, and therefore meets this criterion (BS1). The p.Gly885Arg variant is observed in at least 2 unaffected individuals (internal database - Ambry) (BS2). The computational predictor REVEL gives a score of 0.177, which is below the threshold of 0.290, evidence that does not predict a damaging effect on CDKL5 function (BP4). In summary, the p.Gly885Arg variant in CDKL5 is classified as Benign based on the ACMG/AMP criteria (BS1, BS2, BP4). (CDKL5 Specifications v6.0; curation approved on 8/24/2026)

Labcorp Genetics (formerly Invitae), Labcorp
Classification: Uncertain significance for Developmental and epileptic encephalopathy, 2; Angelman syndrome-like. Last evaluated: 2025-11-23. Review status: criteria provided, single submitter. Criteria: Invitae Variant Classification Sherloc (09022015). Collection method: clinical testing. Allele origin: germline. Not counted in ClinVar's aggregate classification.
Comment: This sequence change replaces glycine, which is neutral and non-polar, with arginine, which is basic and polar, at codon 885 of the CDKL5 protein (p.Gly885Arg). This variant is present in population databases (rs398123694, gnomAD 0.005%). This variant has not been reported in the literature in individuals affected with CDKL5-related conditions. ClinVar contains an entry for this variant (Variation ID: 94109). Invitae Evidence Modeling of protein sequence and biophysical properties (such as structural, functional, and spatial information, amino acid conservation, physicochemical variation, residue mobility, and thermodynamic stability) indicates that this missense variant is not expected to disrupt CDKL5 protein function with a negative predictive value of 95%. In summary, the available evidence is currently insufficient to determine the role of this variant in disease. Therefore, it has been classified as a Variant of Uncertain Significance.

Ambry Genetics
Classification: Uncertain significance for Inborn genetic diseases. Last evaluated: 2022-09-06. Review status: criteria provided, single submitter. Criteria: Ambry Variant Classification Scheme 2023. Collection method: clinical testing. Allele origin: germline. Not counted in ClinVar's aggregate classification.

Eurofins Ntd Llc (ga)
Classification: Uncertain significance. Last evaluated: 2013-08-27. Review status: criteria provided, single submitter. Criteria: EGL Classification Definitions 2015. Collection method: clinical testing. Allele origin: germline. Observed: 1 variant allele, 1 heterozygote. Not counted in ClinVar's aggregate classification.

Genetic Services Laboratory, University of Chicago
Classification: Uncertain significance for Epileptic encephalopathy, early infantile, 2. Last evaluated: 2013-02-08. Review status: criteria provided, single submitter. Criteria: ACMG Guidelines, 2007. Collection method: clinical testing. Allele origin: germline. Inheritance: X-linked inheritance. Not counted in ClinVar's aggregate classification.

NM_001323289.2(CDKL5):c.2653G>A (p.Gly885Arg)

Gene: CDKL5 (cyclin dependent kinase like 5; plus strand). Cytogenetic location: Xp22.13.
Variant type: single nucleotide variant.
Coding change: c.2653G>A on transcript NM_001323289.2 (MANE Select); coding-DNA position 2653, G replaced by A.
Protein change: p.Gly885Arg; replaces glycine 885 with arginine.
Molecular consequence: missense variant.
Genome position (GRCh38, 1-based): chrX:18,628,527, G>A. VCF-style: chrX-18628527-G-A. GRCh37 (hg19) VCF-style: chrX-18646647-G-A.
Other names: NM_001323289.2(CDKL5):c.2653G>A; c.2653G>A, p.Gly885Arg (NM_001037343.2, NM_003159.3); short protein forms G885R.
Identifiers: ClinVar variation 94109 (VCV000094109.20), dbSNP rs398123694, ClinGen allele CA171635.